The following is an entry in ClinVar:

ClinVar aggregate classification (germline): Pathogenic (1 of 4 stars; one submission).

Conditions:
Hyperammonemic encephalopathy due to carbonic anhydrase VA deficiency. Also called: Carbonic Anhydrase VA Deficiency; Carbonic anhydrase VA deficiency, hyperammonemia due to. Identifiers: Orphanet 401948, MedGen C4706871, MONDO:0014332, OMIM 615751.

Submission:

Women's Health and Genetics/Laboratory Corporation of America, LabCorp
Classification: Pathogenic for Hyperammonemic encephalopathy due to carbonic anhydrase VA deficiency. Last evaluated: 2024-05-17. Review status: criteria provided, single submitter. Criteria: LabCorp Variant Classification Summary - May 2015. Collection method: clinical testing. Allele origin: germline.
Comment: Variant summary: The variant involves the deletion of exons 3-7 in the CA5A gene. The exact breakpoint at the distal 3' end of this variant is unknown, therefore this deletion may extend downstream of the annotated region of the gene. As it encompasses the termination codon, it is predicted to escape nonsense mediated decay (NMD). At least one pathogenic non-NMD variant occurs within the deleted region. A presumed nomenclature of c.(340+1_341-1)_(*117_?)del has been designated for the purposes of this classification. The variant was absent in 21258 control chromosomes (gnomAD). To our knowledge, no occurrence of c.(340+1_341-1)_(*117_?)del in individuals affected with Hyperammonemic Encephalopathy Due To Carbonic Anhydrase VA Deficiency and no experimental evidence demonstrating its impact on protein function have been reported. No submitters have cited clinical-significance assessments for this variant to ClinVar. Based on the evidence outlined above, the variant was classified as pathogenic.

NC_000016.9:g.(?_87921618)_(87938511_87960353)del

Gene: CA5A (carbonic anhydrase 5A; minus strand). Cytogenetic location: 16q24.2.
Variant type: Deletion.
Identifiers: ClinVar variation 3336515 (VCV003336515.1).